The following is an entry in ClinVar:

ClinVar aggregate classification (germline): Conflicting classifications of pathogenicity. Review status: criteria provided, conflicting classifications (1 of 4 stars). 3 submissions from 3 submitters: Uncertain significance (2); Likely benign (1). Last evaluated 2025-03-17.

Conditions:
Inborn genetic diseases. Identifiers: MedGen C0950123, MeSH D030342.

Allele frequency attached by ClinVar (database versions not stated): gnomAD exomes 0.00004; gnomAD 0.00005; TOPMed 0.00005; ExAC 0.00006; ESP Exome Variant Server 0.00023.
gnomAD v4.1: 216 of 1,613,996 alleles (0.013%); highest among the groups gnomAD compares: Non-Finnish European, 0.017%; no homozygotes.

Submissions (3):

Labcorp Genetics (formerly Invitae), Labcorp
Classification: Uncertain significance. Last evaluated: 2025-03-17. Review status: criteria provided, single submitter. Criteria: Invitae Variant Classification Sherloc (09022015). Collection method: clinical testing. Allele origin: germline.
Comment: This sequence change replaces arginine, which is basic and polar, with glutamine, which is neutral and polar, at codon 434 of the ARCN1 protein (p.Arg434Gln). This variant is present in population databases (rs146311433, gnomAD 0.009%). This variant has not been reported in the literature in individuals affected with ARCN1-related conditions. ClinVar contains an entry for this variant (Variation ID: 1522984). An algorithm developed to predict the effect of missense changes on protein structure and function (PolyPhen-2) suggests that this variant is likely to be tolerated. In summary, the available evidence is currently insufficient to determine the role of this variant in disease. Therefore, it has been classified as a Variant of Uncertain Significance.

Ambry Genetics
Classification: Likely benign for Inborn genetic diseases. Last evaluated: 2024-08-27. Review status: criteria provided, single submitter. Criteria: Ambry Variant Classification Scheme 2023. Collection method: clinical testing. Allele origin: germline.

Women's Health and Genetics/Laboratory Corporation of America, LabCorp
Classification: Uncertain significance. Last evaluated: 2023-10-19. Review status: criteria provided, single submitter. Criteria: LabCorp Variant Classification Summary - May 2015. Collection method: clinical testing. Allele origin: germline.
Comment: Variant summary: ARCN1 c.1301G>A (p.Arg434Gln) results in a conservative amino acid change located in the Mu homology domain (IPR028565) of the encoded protein sequence. Four of five in-silico tools predict a benign effect of the variant on protein function. The variant allele was found at a frequency of 3.6e-05 in 251462 control chromosomes. The available data on variant occurrences in the general population are insufficient to allow any conclusion about variant significance. To our knowledge, no occurrence of c.1301G>A in individuals affected with Short Stature, Rhizomelic, With Microcephaly, Micrognathia, And Developmental Delay and no experimental evidence demonstrating its impact on protein function have been reported. One submitter has cited clinical-significance assessments for this variant to ClinVar after 2014 and has classified the variant as uncertain significance. Based on the evidence outlined above, the variant was classified as uncertain significance.

NM_001655.5(ARCN1):c.1301G>A (p.Arg434Gln)

Gene: ARCN1 (archain 1 coat protein complex I subunit delta; plus strand). Cytogenetic location: 11q23.3.
Variant type: single nucleotide variant.
Coding change: c.1301G>A on transcript NM_001655.5 (MANE Select); coding-DNA position 1301, G replaced by A.
Protein change: p.Arg434Gln; replaces arginine 434 with glutamine.
Molecular consequence: missense variant.
Genome position (GRCh38, 1-based): chr11:118,597,766, G>A. VCF-style: chr11-118597766-G-A. GRCh37 (hg19) VCF-style: chr11-118468481-G-A.
Other names: c.1301G>A (NM_001655.4); c.1037G>A, p.Arg346Gln (NM_001142281.2); short protein forms R346Q, R434Q.
Identifiers: ClinVar variation 1522984 (VCV001522984.7), dbSNP rs146311433, ClinGen allele CA6306278.
Genomic context (GRCh38, chr11:118,597,766, plus strand): 5'-GGTCTGGTGTCGGCGCGCCTGTTATCGGTGAGATCGATGGGGAGTATCGACATGACAGTC[G>A]ACGAAATACCCTGGAGTGGTGCCTGCCTGTGATTGATGCCAAAAATAAGAGTGGCAGCCT-3'
Protein context (NP_001646.2, residues 424-444): EIDGEYRHDS[Arg434Gln]RNTLEWCLPV